The following is an entry in ClinVar:

NM_000038.6(APC):c.1885_1886del (p.Leu629fs)

Gene: APC (APC regulator of Wnt signaling pathway; plus strand). Cytogenetic location: 5q22.2.
Variant type: Deletion.
Coding change: c.1885_1886del on transcript NM_000038.6 (MANE Select); coding-DNA positions 1885 to 1886, 2 bases deleted (TT; older notation c.1885_1886delTT).
Protein change: p.Leu629fs; shifts the reading frame from leucine 629.
Molecular consequence: frameshift variant. On other transcripts: non-coding transcript variant (2).
Genome position (GRCh38, 1-based): chr5:112,835,092-112,835,093, TT deleted; deleting any 2 consecutive bases within chr5:112,835,091-112,835,093 gives the same sequence; the c. name uses the placement nearest the transcript's 3' end. VCF-style (leftmost placement, unchanged base first): chr5-112835090-CTT-C. GRCh37 (hg19) VCF-style: chr5-112170787-CTT-C.
Other names: c.1885_1886del, p.Leu629fs (NM_001127510.3, NM_001354895.2, NM_001407450.1); c.1831_1832del, p.Leu611fs (NM_001127511.3); c.1939_1940del, p.Leu647fs (NM_001354896.2, NM_001407447.1, NM_001407448.1 and 1 more transcripts); c.1915_1916del, p.Leu639fs (NM_001354897.2); c.1810_1811del, p.Leu604fs (NM_001354898.2); c.1801_1802del, p.Leu601fs (NM_001354899.2); c.1762_1763del, p.Leu588fs (NM_001354900.2); c.1708_1709del, p.Leu570fs (NM_001354901.2, NM_001407453.1); and 11 more; short protein forms L245fs, L346fs, L469fs, L500fs, L503fs, L528fs, L538fs, L546fs.
Identifiers: ClinVar variation 2584057 (VCV002584057.2), dbSNP rs863224817, ClinGen allele CA658760347.

ClinVar aggregate classification (germline): Pathogenic (1 of 4 stars; one submission).

Conditions:
Familial adenomatous polyposis 1 (FAP1). Also called: FAMILIAL ADENOMATOUS POLYPOSIS 1, ATTENUATED; POLYPOSIS, ADENOMATOUS INTESTINAL. Identifiers: MedGen C2713442, MONDO:0021056, OMIM 175100. Disease mechanism: loss of function.

Submission:

Myriad Genetics, Inc.
Classification: Pathogenic for Familial adenomatous polyposis 1. Last evaluated: 2023-05-03. Review status: criteria provided, single submitter. Criteria: Myriad Autosomal Dominant, Autosomal Recessive and X-Linked Classification Criteria (2023). Collection method: clinical testing. Allele origin: unknown.
Comment: This variant is considered pathogenic. This variant creates a frameshift predicted to result in premature protein truncation.